The following is an entry in ClinVar:

ClinVar aggregate classification (germline): Likely benign. Review status: criteria provided, multiple submitters, no conflicts (2 of 4 stars). 3 submissions from 3 submitters: Likely benign (3). Last evaluated 2025-08-05.

Conditions:
Hereditary cancer-predisposing syndrome. Also called: Hereditary Cancer Syndrome; Hereditary neoplastic syndrome; Neoplastic Syndromes, Hereditary; Tumor predisposition. Identifiers: Orphanet 140162, MedGen C0027672, MeSH D009386, MONDO:0015356.
Familial cancer of breast. Also called: hereditary breast carcinoma; BREAST CANCER, FAMILIAL; Hereditary breast cancer. Identifiers: Orphanet 227535, MedGen C0346153, MONDO:0016419, OMIM 114480. Disease mechanism: loss of function.
Ataxia-telangiectasia syndrome (AT). Also called: Ataxia-telangiectasia, complementation group E; LOUIS-BAR SYNDROME; Cerebello-oculocutaneous telangiectasia; Immunodeficiency with ataxia telangiectasia; Ataxia-telangiectasia, complementation group D; AT, COMPLEMENTATION GROUP C. Identifiers: Orphanet 100, MedGen C0004135, MONDO:0008840, OMIM 208900.

Allele frequency attached by ClinVar (database versions not stated): gnomAD exomes 0.00001.
gnomAD v4.1: 8 of 1,608,190 alleles (0.0005%); highest among the groups gnomAD compares: Non-Finnish European, 0.00068%; no homozygotes.

Submissions (3):

Labcorp Genetics (formerly Invitae), Labcorp
Classification: Likely benign for Ataxia-telangiectasia syndrome. Last evaluated: 2025-08-05. Review status: criteria provided, single submitter. Criteria: Invitae Variant Classification Sherloc (09022015). Collection method: clinical testing. Allele origin: germline.

Myriad Genetics, Inc.
Classification: Likely benign for Familial cancer of breast. Last evaluated: 2024-05-10. Review status: criteria provided, single submitter. Criteria: Myriad Autosomal Dominant, Autosomal Recessive and X-Linked Classification Criteria (2023). Collection method: clinical testing. Allele origin: unknown.
Comment: This variant is considered likely benign. This variant is intronic and is not expected to impact mRNA splicing.

Color Diagnostics, LLC DBA Color Health
Classification: Likely benign for Hereditary cancer-predisposing syndrome. Last evaluated: 2019-02-13. Review status: criteria provided, single submitter. Criteria: ACMG Guidelines, 2015. Collection method: clinical testing. Allele origin: germline.

NM_000051.4(ATM):c.2839-15C>T

Gene: ATM (ATM serine/threonine kinase; plus strand). Cytogenetic location: 11q22.3.
Variant type: single nucleotide variant.
Coding change: c.2839-15C>T on transcript NM_000051.4 (MANE Select); 15 bases into the intron before coding-DNA position 2839, C replaced by T.
Molecular consequence: intron variant.
Genome position (GRCh38, 1-based): chr11:108,271,049, C>T. VCF-style: chr11-108271049-C-T. GRCh37 (hg19) VCF-style: chr11-108141776-C-T.
Other names: c.2839-15C>T (NM_001351834.2).
Identifiers: ClinVar variation 921340 (VCV000921340.11), dbSNP rs2081545815, ClinGen allele CA913187671.